The following is an entry in ClinVar:

ClinVar aggregate classification (germline): Likely pathogenic (1 of 4 stars; one submission).

Conditions:
Walker-Warburg congenital muscular dystrophy. Also called: Muscular dystrophy-dystroglycanopathy, type A; Walker-Warburg syndrome. Identifiers: Orphanet 899, MedGen C0265221, MONDO:0000171.
Muscular dystrophy-dystroglycanopathy (congenital with impaired intellectual development), type B, 1. Also called: MUSCULAR DYSTROPHY, CONGENITAL, POMT1-RELATED; Muscular dystrophy-dystroglycanopathy (congenital with intellectual disability), type B1. Identifiers: MedGen C5436962, MONDO:0013159, OMIM 613155.
Autosomal recessive limb-girdle muscular dystrophy type 2K. Also called: MUSCULAR DYSTROPHY-DYSTROGLYCANOPATHY (LIMB-GIRDLE), TYPE C, 1; MUSCULAR DYSTROPHY, LIMB-GIRDLE, TYPE 2K. Identifiers: Orphanet 86812, MedGen C1836373, MONDO:0012248, OMIM 609308.

Submission:

Labcorp Genetics (formerly Invitae), Labcorp
Classification: Likely pathogenic for Muscular dystrophy-dystroglycanopathy (congenital with impaired intellectual development), type B, 1; Walker-Warburg congenital muscular dystrophy; Autosomal recessive limb-girdle muscular dystrophy type 2K. Last evaluated: 2023-06-02. Review status: criteria provided, single submitter. Criteria: Invitae Variant Classification Sherloc (09022015). Collection method: clinical testing. Allele origin: germline.
Comment: This variant has not been reported in the literature in individuals affected with POMT1-related conditions. This variant is not present in population databases (gnomAD no frequency). This sequence change affects a donor splice site in intron 18 of the POMT1 gene. It is expected to disrupt RNA splicing. Variants that disrupt the donor or acceptor splice site typically lead to a loss of protein function (PMID: 16199547), and loss-of-function variants in POMT1 are known to be pathogenic (PMID: 12369018, 15637732, 16575835). Algorithms developed to predict the effect of sequence changes on RNA splicing suggest that this variant may disrupt the consensus splice site. In summary, the currently available evidence indicates that the variant is pathogenic, but additional data are needed to prove that conclusively. Therefore, this variant has been classified as Likely Pathogenic.

Literature cited by the submitters: PubMed 16199547; PubMed 12369018; PubMed 15637732; PubMed 16575835.

NM_001077365.2(POMT1):c.1825+2T>C

Gene: POMT1 (protein O-mannosyltransferase 1; plus strand). Cytogenetic location: 9q34.13.
Variant type: single nucleotide variant.
Coding change: c.1825+2T>C on transcript NM_001077365.2 (MANE Select); the canonical splice donor site of the intron after coding-DNA position 1825, T replaced by C.
Molecular consequence: splice donor variant.
Genome position (GRCh38, 1-based): chr9:131,521,474, T>C. VCF-style: chr9-131521474-T-C. GRCh37 (hg19) VCF-style: chr9-134396861-T-C.
Other names: c.1729+2T>C (NM_001353198.2, NM_001353197.2); c.1891+2T>C (NM_001353193.2, NM_007171.4); c.1825+2T>C (NM_001136113.2); c.1663+2T>C (NM_001353194.2, NM_001077366.2); c.1474+2T>C (NM_001374691.1, NM_001353195.2, NM_001374692.1 and 2 more transcripts); c.1606+2T>C (NM_001374690.1); c.1735+2T>C (NM_001353196.2); c.1435+2T>C (NM_001374695.1); and 4 more.
Identifiers: ClinVar variation 2933722 (VCV002933722.3), dbSNP rs2539455086, ClinGen allele CA375314059.